The following is an entry in ClinVar:

ClinVar aggregate classification (germline): Uncertain significance (1 of 4 stars; one submission).

Conditions:
Inborn genetic diseases. Identifiers: MedGen C0950123, MeSH D030342.

Submission:

Ambry Genetics
Classification: Uncertain significance for Inborn genetic diseases. Last evaluated: 2026-02-25. Review status: criteria provided, single submitter. Criteria: Ambry Variant Classification Scheme 2023. Collection method: clinical testing. Allele origin: germline.
Comment: The c.1253+1G>A intronic variant results from a G to A substitution one nucleotide after coding exon 7 of the ETV6 gene. This variant occurs at the 3' terminus of the gene, is not expected to trigger nonsense-mediated mRNA decay, and only impacts the last 15%/68AA of the protein. The exact functional effect of this variant is unknown. This nucleotide position is highly conserved in available vertebrate species. In silico splice site analysis predicts that this alteration will weaken the native splice donor site. Based on the available evidence, the clinical significance of this variant remains unclear.

NM_001987.5(ETV6):c.1253+1G>A

Gene: ETV6 (ETS variant transcription factor 6; plus strand). Cytogenetic location: 12p13.2.
Variant type: single nucleotide variant.
Coding change: c.1253+1G>A on transcript NM_001987.5 (MANE Select); the canonical splice donor site of the intron after coding-DNA position 1253, G replaced by A.
Molecular consequence: splice donor variant. On other transcripts: intron variant (1).
Genome position (GRCh38, 1-based): chr12:11,886,027, G>A. VCF-style: chr12-11886027-G-A. GRCh37 (hg19) VCF-style: chr12-12038961-G-A.
Other names: c.1226+1G>A (NM_001413914.1); c.1010-4914G>A (NM_001413917.1); c.1250+1G>A (NM_001413913.1); c.989+1G>A (NM_001413915.1).
Identifiers: ClinVar variation 4020070 (VCV004020070.2).
Genomic context (GRCh38, chr12:11,886,027, plus strand): 5'-GCGCCACTACTACAAACTAAACATTATCAGGAAGGAGCCAGGACAAAGGCTTTTGTTCAG[G>A]TAGCACTTCCTTTTTCTCCTTTCCTTCTTTTGGGAGGATGCTGTTTTCTTTAAATAACGG-3'